The following is an entry in ClinVar:

ClinVar aggregate classification (germline): Conflicting classifications of pathogenicity. Review status: criteria provided, conflicting classifications (1 of 4 stars). 4 submissions from 4 submitters: Uncertain significance (2); Likely benign (1). 1 of the submissions does not count toward it. Last evaluated 2026-01-05.

Conditions:
DARS1-related disorder. Also called: DARS1-related condition.

Allele frequency attached by ClinVar (database versions not stated): ExAC 0.00049; gnomAD exomes 0.00055 and 0.00057; TOPMed 0.00063; gnomAD 0.00070 and 0.00075.
gnomAD v4.1: 475 of 819,654 alleles (0.058%); highest among the groups gnomAD compares: Admixed American, 0.17%; 1 homozygote.

Submissions (7):

Labcorp Genetics (formerly Invitae), Labcorp
Classification: Likely benign. Last evaluated: 2026-01-05. Review status: criteria provided, single submitter. Criteria: Invitae Variant Classification Sherloc (09022015). Collection method: clinical testing. Allele origin: germline.

Blueprint Genetics
Classification: Uncertain significance. Last evaluated: 2024-09-20. Review status: criteria provided, single submitter. Criteria: ACMG Guidelines, 2015. Collection method: clinical testing. Allele origin: germline.

CeGaT Center for Human Genetics Tuebingen
Classification: Uncertain significance. Last evaluated: 2016-05-01. Review status: criteria provided, single submitter. Criteria: CeGaT Center For Human Genetics Tuebingen Variant Classification Criteria Version 2. Collection method: clinical testing. Allele origin: germline. Affected: yes. Observed: 1 variant allele.

PreventionGenetics, part of Exact Sciences
Classification: Likely benign for DARS1-related condition. Last evaluated: 2020-06-05. Review status: no assertion criteria provided. Collection method: clinical testing. Allele origin: germline. Not counted in ClinVar's aggregate classification.
Comment: This variant is classified as likely benign based on ACMG/AMP sequence variant interpretation guidelines (Richards et al. 2015 PMID: 25741868, with internal and published modifications).

Dr. Peter K. Rogan Lab, Western University
No classification provided (evidence only). Condition: Cervical cancer. Review status: no classification provided. Collection method: in vitro. Allele origin: not applicable. Functional consequence: skipped exon, retained intron. Not counted in ClinVar's aggregate classification.

Dr. Peter K. Rogan Lab, Western University
No classification provided (evidence only). Condition: Sarcoma. Review status: no classification provided. Collection method: in vitro. Allele origin: not applicable. Functional consequence: skipped exon, retained intron. Not counted in ClinVar's aggregate classification.

Dr. Peter K. Rogan Lab, Western University
No classification provided (evidence only). Condition: Ovarian serous cystadenocarcinoma. Review status: no classification provided. Collection method: in vitro. Allele origin: not applicable. Functional consequence: skipped exon, retained intron. Not counted in ClinVar's aggregate classification.

NM_001349.4(DARS1):c.1150-5T>G

Gene: DARS1 (aspartyl-tRNA synthetase 1; minus strand). Cytogenetic location: 2q21.3.
Variant type: single nucleotide variant.
Coding change: c.1150-5T>G on transcript NM_001349.4 (MANE Select); 5 bases into the intron before coding-DNA position 1150, T replaced by G.
Molecular consequence: intron variant.
Genome position (GRCh38, 1-based): chr2:135,912,571, A>C on the plus strand (T>G on the coding strand, the complement: DARS1 is on the minus strand). VCF-style: chr2-135912571-A-C. GRCh37 (hg19) VCF-style: chr2-136670141-A-C.
Other names: c.850-5T>G (NM_001293312.1).
Identifiers: ClinVar variation 714277 (VCV000714277.53), dbSNP rs199776135, ClinGen allele CA1889549.